The following is an entry in ClinVar:

ClinVar aggregate classification (germline): Uncertain significance (1 of 4 stars; one submission).

gnomAD v4.1: 2 of 1,614,030 alleles (0.00012%); highest among the groups gnomAD compares: Non-Finnish European, 0.00017%; no homozygotes.

Submission:

Labcorp Genetics (formerly Invitae), Labcorp
Classification: Uncertain significance. Last evaluated: 2024-12-12. Review status: criteria provided, single submitter. Criteria: Invitae Variant Classification Sherloc (09022015). Collection method: clinical testing. Allele origin: germline.
Comment: This sequence change replaces isoleucine, which is neutral and non-polar, with valine, which is neutral and non-polar, at codon 65 of the MMP14 protein (p.Ile65Val). This variant is not present in population databases (gnomAD no frequency). This variant has not been reported in the literature in individuals affected with MMP14-related conditions. Invitae Evidence Modeling of protein sequence and biophysical properties (such as structural, functional, and spatial information, amino acid conservation, physicochemical variation, residue mobility, and thermodynamic stability) indicates that this missense variant is not expected to disrupt MMP14 protein function with a negative predictive value of 80%. In summary, the available evidence is currently insufficient to determine the role of this variant in disease. Therefore, it has been classified as a Variant of Uncertain Significance.

NM_004995.4(MMP14):c.193A>G (p.Ile65Val)

Gene: MMP14 (matrix metallopeptidase 14; plus strand). Cytogenetic location: 14q11.2.
Variant type: single nucleotide variant.
Coding change: c.193A>G on transcript NM_004995.4 (MANE Select); coding-DNA position 193, A replaced by G.
Protein change: p.Ile65Val; replaces isoleucine 65 with valine.
Molecular consequence: missense variant.
Genome position (GRCh38, 1-based): chr14:22,841,575, A>G. VCF-style: chr14-22841575-A-G. GRCh37 (hg19) VCF-style: chr14-23310784-A-G.
Other names: short protein forms I65V.
Identifiers: ClinVar variation 3618948 (VCV003618948.2).